The following is an entry in ClinVar:

ClinVar aggregate classification (germline): Uncertain significance (1 of 4 stars; one submission).

Conditions:
Glycogen storage disease type III (GSD3). Also called: Cori disease; FORBES DISEASE. Identifiers: Orphanet 366, MedGen C0017922, MONDO:0009291, OMIM 232400.

Submission:

Labcorp Genetics (formerly Invitae), Labcorp
Classification: Uncertain significance for Glycogen storage disease type III. Last evaluated: 2022-04-15. Review status: criteria provided, single submitter. Criteria: Invitae Variant Classification Sherloc (09022015). Collection method: clinical testing. Allele origin: germline.
Comment: This sequence change replaces serine, which is neutral and polar, with arginine, which is basic and polar, at codon 1028 of the AGL protein (p.Ser1028Arg). This variant is not present in population databases (gnomAD no frequency). This variant has not been reported in the literature in individuals affected with AGL-related conditions. Algorithms developed to predict the effect of missense changes on protein structure and function (SIFT, PolyPhen-2, Align-GVGD) all suggest that this variant is likely to be tolerated. In summary, the available evidence is currently insufficient to determine the role of this variant in disease. Therefore, it has been classified as a Variant of Uncertain Significance.

NM_000642.3(AGL):c.3082A>C (p.Ser1028Arg)

Gene: AGL (amylo-alpha-1,6-glucosidase and 4-alpha-glucanotransferase; plus strand). Cytogenetic location: 1p21.2.
Variant type: single nucleotide variant.
Coding change: c.3082A>C on transcript NM_000642.3 (MANE Select); coding-DNA position 3082, A replaced by C.
Protein change: p.Ser1028Arg; replaces serine 1028 with arginine.
Molecular consequence: missense variant.
Genome position (GRCh38, 1-based): chr1:99,891,738, A>C. VCF-style: chr1-99891738-A-C. GRCh37 (hg19) VCF-style: chr1-100357294-A-C.
Other names: c.3082A>C, p.Ser1028Arg (NM_000028.3, NM_000643.3, NM_000644.3 and 1 more transcripts); c.3034A>C, p.Ser1012Arg (NM_000646.3); c.3061A>C, p.Ser1021Arg (NM_001425326.1); c.2881A>C, p.Ser961Arg (NM_001425327.1); c.2878A>C, p.Ser960Arg (NM_001425328.1); c.2743A>C, p.Ser915Arg (NM_001425329.1); c.2704A>C, p.Ser902Arg (NM_001425332.1); short protein forms S1012R, S1028R, S1021R, S902R, S915R, S960R, S961R.
Identifiers: ClinVar variation 2126602 (VCV002126602.4), dbSNP rs779621769, ClinGen allele CA341326398.